The following is an entry in ClinVar:

NM_000260.4(MYO7A):c.5943C>T (p.Asp1981=)

Gene: MYO7A (myosin VIIA; plus strand). Cytogenetic location: 11q13.5.
Variant type: single nucleotide variant.
Coding change: c.5943C>T on transcript NM_000260.4 (MANE Select); coding-DNA position 5943, C replaced by T.
Protein change: p.Asp1981=; no amino-acid change (aspartic acid 1981 retained).
Molecular consequence: synonymous variant.
Genome position (GRCh38, 1-based): chr11:77,208,516, C>T. VCF-style: chr11-77208516-C-T. GRCh37 (hg19) VCF-style: chr11-76919561-C-T.
Other names: c.5829C>T, p.Asp1943= (NM_001127180.2); c.5796C>T, p.Asp1932= (NM_001369365.1).
Identifiers: ClinVar variation 880933 (VCV000880933.9), dbSNP rs773907543, ClinGen allele CA6198874.

ClinVar aggregate classification (germline): Uncertain significance. Review status: criteria provided, multiple submitters, no conflicts (2 of 4 stars). 5 submissions from 3 submitters: Uncertain significance (4). 1 of the submissions does not count toward it. Last evaluated 2024-12-19.

Conditions:
Usher syndrome type 1 (USH1). Also called: RETINITIS PIGMENTOSA AND CONGENITAL DEAFNESS. Identifiers: Orphanet 231169, Orphanet 886, MedGen C1568247, MONDO:0010168, OMIM 276900.
Autosomal dominant nonsyndromic hearing loss 11. Identifiers: Orphanet 90635, MedGen C1832475, MONDO:0011032, OMIM 601317.
Autosomal recessive nonsyndromic hearing loss 2. Also called: DEAFNESS, AUTOSOMAL RECESSIVE 2; NEUROSENSORY NONSYNDROMIC RECESSIVE DEAFNESS 2. Identifiers: Orphanet 90636, MedGen C1838701, MONDO:0010807, OMIM 600060.
MYO7A-related disorder. Also called: MYO7A-related disorders.

Allele frequency attached by ClinVar (database versions not stated): TOPMed 0.00002; gnomAD 0.00003 and 0.00004; gnomAD exomes 0.00003; ExAC 0.00005.
gnomAD v4.1: 49 of 1,612,074 alleles (0.003%); highest among the groups gnomAD compares: South Asian, 0.017%; no homozygotes.

Submissions (5):

Labcorp Genetics (formerly Invitae), Labcorp
Classification: Uncertain significance. Last evaluated: 2024-12-19. Review status: criteria provided, single submitter. Criteria: Invitae Variant Classification Sherloc (09022015). Collection method: clinical testing. Allele origin: germline.
Comment: This sequence change affects codon 1981 of the MYO7A mRNA. It is a 'silent' change, meaning that it does not change the encoded amino acid sequence of the MYO7A protein. It affects a nucleotide within the consensus splice site. This variant is present in population databases (rs773907543, gnomAD 0.02%). This variant has not been reported in the literature in individuals affected with MYO7A-related conditions. ClinVar contains an entry for this variant (Variation ID: 880933). Algorithms developed to predict the effect of sequence changes on RNA splicing suggest that this variant is not likely to affect RNA splicing. In summary, the available evidence is currently insufficient to determine the role of this variant in disease. Therefore, it has been classified as a Variant of Uncertain Significance.

Illumina Laboratory Services, Illumina
Classification: Uncertain significance for Usher syndrome type 1. Last evaluated: 2018-01-13. Review status: criteria provided, single submitter. Criteria: ICSL Variant Classification Criteria 13 December 2019. Collection method: clinical testing. Allele origin: germline.

Illumina Laboratory Services, Illumina
Classification: Uncertain significance for Autosomal recessive nonsyndromic hearing loss 2. Last evaluated: 2018-01-13. Review status: criteria provided, single submitter. Criteria: ICSL Variant Classification Criteria 13 December 2019. Collection method: clinical testing. Allele origin: germline.

Illumina Laboratory Services, Illumina
Classification: Uncertain significance for Autosomal dominant nonsyndromic hearing loss 11. Last evaluated: 2018-01-13. Review status: criteria provided, single submitter. Criteria: ICSL Variant Classification Criteria 13 December 2019. Collection method: clinical testing. Allele origin: germline.

PreventionGenetics, part of Exact Sciences
Classification: Likely benign for MYO7A-related condition. Last evaluated: 2019-07-30. Review status: no assertion criteria provided. Collection method: clinical testing. Allele origin: germline. Not counted in ClinVar's aggregate classification.
Comment: This variant is classified as likely benign based on ACMG/AMP sequence variant interpretation guidelines (Richards et al. 2015 PMID: 25741868, with internal and published modifications).